The following is an entry in ClinVar:

ClinVar aggregate classification (germline): Conflicting classifications of pathogenicity. Review status: criteria provided, conflicting classifications (1 of 4 stars). 2 submissions from 2 submitters: Uncertain significance (1); Likely benign (1). Last evaluated 2026-05-08.

gnomAD v4.1: 144 of 1,566,674 alleles (0.0092%); highest among the groups gnomAD compares: Middle Eastern, 0.046%; 2 homozygotes.

Submissions (2):

Women's Health and Genetics/Laboratory Corporation of America, LabCorp
Classification: Uncertain significance. Last evaluated: 2026-05-08. Review status: criteria provided, single submitter. Criteria: LabCorp Variant Classification Summary - May 2015. Collection method: clinical testing. Allele origin: germline.
Comment: Variant summary: PKD1 c.9349C>T (p.Arg3117Cys) results in a non-conservative amino acid change in the encoded protein sequence. Algorithms developed to predict the effect of missense changes on protein structure and function are either unavailable or do not agree on the potential impact of this missense change. The variant allele was found at a frequency of 9.2e-05 in 1566674 control chromosomes in the gnomAD database, including 2 homozygotes. This frequency is not significantly higher than estimated for disease-causing variants in PKD1, allowing no conclusion about variant significance. c.9349C>T has been observed in the heterozygous state in an individual affected with Polycystic Kidney Disease (Topak_2024). This report does not provide unequivocal conclusions about association of the variant with PKD1-related conditions. To our knowledge, no experimental evidence demonstrating an impact on protein function has been reported. The following publication have been ascertained in the context of this evaluation (PMID: 37078890). No submitters have cited clinical-significance assessments for this variant to ClinVar. Based on the evidence outlined above, the variant was classified as VUS-possibly benign.

Blueprint Genetics
Classification: Likely benign. Last evaluated: 2024-06-14. Review status: criteria provided, single submitter. Criteria: ACMG Guidelines, 2015. Collection method: clinical testing. Allele origin: germline.

Literature cited by the submitters: PubMed 37078890 (cited by Women's Health and Genetics/Laboratory Corporation of America, LabCorp).

NM_001009944.3(PKD1):c.9349C>T (p.Arg3117Cys)

Gene: PKD1 (polycystin 1, transient receptor potential channel interacting; minus strand). Cytogenetic location: 16p13.3.
Variant type: single nucleotide variant.
Coding change: c.9349C>T on transcript NM_001009944.3 (MANE Select); coding-DNA position 9349, C replaced by T.
Protein change: p.Arg3117Cys; replaces arginine 3117 with cysteine.
Molecular consequence: missense variant.
Genome position (GRCh38, 1-based): chr16:2,102,109, G>A on the plus strand (C>T on the coding strand, the complement: PKD1 is on the minus strand). VCF-style: chr16-2102109-G-A. GRCh37 (hg19) VCF-style: chr16-2152110-G-A.
Other names: c.9349C>T, p.Arg3117Cys (NM_000296.4); short protein forms R3117C.
Identifiers: ClinVar variation 4853452 (VCV004853452.2).